The following is an entry in ClinVar:

NM_020937.4(FANCM):c.6090T>C (p.Phe2030=)

Gene: FANCM (FA complementation group M; plus strand). Cytogenetic location: 14q21.2.
Variant type: single nucleotide variant.
Coding change: c.6090T>C on transcript NM_020937.4 (MANE Select); coding-DNA position 6090, T replaced by C.
Protein change: p.Phe2030=; no amino-acid change (phenylalanine 2030 retained).
Molecular consequence: synonymous variant.
Genome position (GRCh38, 1-based): chr14:45,199,951, T>C. VCF-style: chr14-45199951-T-C. GRCh37 (hg19) VCF-style: chr14-45669154-T-C.
Other names: c.6012T>C, p.Phe2004= (NM_001308133.2); c.6090T>C (NM_020937.3).
Identifiers: ClinVar variation 2046226 (VCV002046226.7), dbSNP rs187466726, ClinGen allele CA7170129.
Genomic context (GRCh38, chr14:45,199,951, plus strand): 5'-GTATGCACAAGTAACTCATCAGAAGGCTGAGGAGATCTATAGATATATTCACTATGTATT[T>C]GACATACAAATGTTACCAAATGATCTTAACCAAGATAGACTGAAATCTGATATATAATCA-3'
Protein context (NP_065988.1, residues 2020-2040): EEIYRYIHYV[Phe2030=]DIQMLPNDLN

ClinVar aggregate classification (germline): Likely benign. Review status: criteria provided, multiple submitters, no conflicts (2 of 4 stars). 3 submissions from 3 submitters: Likely benign (2). 1 of the submissions does not count toward it. Last evaluated 2025-02-23.

Conditions:
Inborn genetic diseases. Identifiers: MedGen C0950123, MeSH D030342.
Fanconi anemia (FA). Also called: Fanconi's anemia. Identifiers: Orphanet 84, MedGen C0015625, MeSH D005199, MONDO:0019391.
FANCM-related disorder. Also called: FANCM-related condition.

Allele frequency attached by ClinVar (database versions not stated): ExAC 0.00001; gnomAD exomes 0.00001; 1000 Genomes Project 0.00020; TOPMed below 0.00001; gnomAD 0.00003; 1000 Genomes Project 30x 0.00016.
gnomAD v4.1: 17 of 1,603,840 alleles (0.0011%); highest among the groups gnomAD compares: Middle Eastern, 0.034%; no homozygotes.

Submissions (3):

Ambry Genetics
Classification: Likely benign for Inborn genetic diseases. Last evaluated: 2025-02-23. Review status: criteria provided, single submitter. Criteria: Ambry Variant Classification Scheme 2023. Collection method: clinical testing. Allele origin: germline.

Labcorp Genetics (formerly Invitae), Labcorp
Classification: Likely benign for Fanconi anemia. Last evaluated: 2024-10-22. Review status: criteria provided, single submitter. Criteria: Invitae Variant Classification Sherloc (09022015). Collection method: clinical testing. Allele origin: germline.

PreventionGenetics, part of Exact Sciences
Classification: Likely benign for FANCM-related condition. Last evaluated: 2019-08-13. Review status: no assertion criteria provided. Collection method: clinical testing. Allele origin: germline. Not counted in ClinVar's aggregate classification.
Comment: This variant is classified as likely benign based on ACMG/AMP sequence variant interpretation guidelines (Richards et al. 2015 PMID: 25741868, with internal and published modifications).